The following is an entry in ClinVar:

NM_052947.4(ALPK2):c.3700A>G (p.Asn1234Asp)

Genes: ALPK2 (alpha kinase 2; minus strand), LOC126862764 (BRD4-independent group 4 enhancer GRCh37_chr18:56202574-56203773; plus strand). Cytogenetic location: 18q21.31.
Variant type: single nucleotide variant.
Coding change: c.3700A>G on transcript NM_052947.4 (MANE Select); coding-DNA position 3700, A replaced by G.
Protein change: p.Asn1234Asp; replaces asparagine 1234 with aspartic acid.
Molecular consequence: missense variant.
Genome position (GRCh38, 1-based): chr18:58,536,487, T>C on the plus strand (A>G on the coding strand, the complement: ALPK2 is on the minus strand). VCF-style: chr18-58536487-T-C. GRCh37 (hg19) VCF-style: chr18-56203719-T-C.
Other names: short protein forms N1234D.
Identifiers: ClinVar variation 1734100 (VCV001734100.2), dbSNP rs773191991, ClinGen allele CA8976847.

ClinVar aggregate classification (germline): Uncertain significance (1 of 4 stars; one submission).

Allele frequency attached by ClinVar (database versions not stated): ExAC 0.00001; gnomAD 0.00001; TOPMed 0.00001.
gnomAD v4.1: 12 of 1,613,902 alleles (0.00074%); highest among the groups gnomAD compares: Middle Eastern, 0.033%; no homozygotes.

Submission:

Ambry Genetics
Classification: Uncertain significance. Last evaluated: 2023-12-05. Review status: criteria provided, single submitter. Criteria: Ambry Variant Classification Scheme 2023. Collection method: clinical testing. Allele origin: germline.
Comment: The p.N1234D variant (also known as c.3700A>G), located in coding exon 4 of the ALPK2 gene, results from an A to G substitution at nucleotide position 3700. The asparagine at codon 1234 is replaced by aspartic acid, an amino acid with highly similar properties. This amino acid position is conserved. In addition, this alteration is predicted to be tolerated by in silico analysis. Since supporting evidence is limited at this time, the clinical significance of this alteration remains unclear.